The following is an entry in ClinVar:

NM_003640.5(ELP1):c.1537G>A (p.Val513Ile)

Gene: ELP1 (elongator acetyltransferase complex subunit 1; minus strand). Cytogenetic location: 9q31.3.
Variant type: single nucleotide variant.
Coding change: c.1537G>A on transcript NM_003640.5 (MANE Select); coding-DNA position 1537, G replaced by A.
Protein change: p.Val513Ile; replaces valine 513 with isoleucine.
Molecular consequence: missense variant.
Genome position (GRCh38, 1-based): chr9:108,906,409, C>T on the plus strand (G>A on the coding strand, the complement: ELP1 is on the minus strand). VCF-style: chr9-108906409-C-T. GRCh37 (hg19) VCF-style: chr9-111668689-C-T.
Other names: c.1537G>A (LRG_251t1); c.1195G>A, p.Val399Ile (NM_001318360.2); c.490G>A, p.Val164Ile (NM_001330749.2); short protein forms V513I, V399I, V164I.
Identifiers: ClinVar variation 578085 (VCV000578085.7), dbSNP rs201706900, ClinGen allele CA197540437.
Genomic context (GRCh38, chr9:108,906,409, plus strand): 5'-CAGTCAAATGGTGAATGACAGACCGGGGGCTGAACTCACTGTGGCTTACAGCCAGGAAGA[C>T]GTCTTCTTCAATCCAAGTGAGAAGGCCTAGTTTCAGCGGGTTTACATCTTGATCTTCATT-3'
Protein context (NP_003631.2, residues 503-523): LGLLTWIEED[Val513Ile]FLAVSHSEFS

ClinVar aggregate classification (germline): Conflicting classifications of pathogenicity. Review status: criteria provided, conflicting classifications (1 of 4 stars). 3 submissions from 3 submitters: Uncertain significance (1); Likely benign (1). 1 of the submissions does not count toward it. Last evaluated 2025-02-13.

Conditions:
Familial dysautonomia. Also called: HSAN III; FD. Identifiers: Orphanet 1764, MedGen C0013364, MONDO:0009131, OMIM 223900. Disease mechanism: loss of function.

Allele frequency attached by ClinVar (database versions not stated): gnomAD exomes below 0.00001; gnomAD 0.00001; TOPMed 0.00002; 1000 Genomes Project 0.00020; 1000 Genomes Project 30x 0.00031.
gnomAD v4.1: 7 of 1,614,052 alleles (0.00043%); highest among the groups gnomAD compares: African/African-American, 0.0027%; no homozygotes.

Submissions (3):

Ambry Genetics
Classification: Likely benign. Last evaluated: 2025-02-13. Review status: criteria provided, single submitter. Criteria: Ambry Variant Classification Scheme 2023. Collection method: clinical testing. Allele origin: germline.

Labcorp Genetics (formerly Invitae), Labcorp
Classification: Uncertain significance. Last evaluated: 2021-08-27. Review status: criteria provided, single submitter. Criteria: Invitae Variant Classification Sherloc (09022015). Collection method: clinical testing. Allele origin: germline.
Comment: This sequence change replaces valine with isoleucine at codon 513 of the ELP1 protein (p.Val513Ile). The valine residue is weakly conserved and there is a small physicochemical difference between valine and isoleucine. This variant is not present in population databases (ExAC no frequency). This variant has not been reported in the literature in individuals affected with ELP1-related conditions. Algorithms developed to predict the effect of missense changes on protein structure and function output the following: SIFT: "Tolerated"; PolyPhen-2: "Benign"; Align-GVGD: "Class C0". The isoleucine amino acid residue is found in multiple mammalian species, which suggests that this missense change does not adversely affect protein function. In summary, the available evidence is currently insufficient to determine the role of this variant in disease. Therefore, it has been classified as a Variant of Uncertain Significance.

Natera, Inc.
Classification: Uncertain significance for Hereditary sensory and autonomic neuropathy type III. Last evaluated: 2020-01-17. Review status: no assertion criteria provided. Collection method: clinical testing. Allele origin: germline. Not counted in ClinVar's aggregate classification.